The following is an entry in ClinVar:

ClinVar aggregate classification (germline): Likely benign (1 of 4 stars; one submission).

Submission:

CeGaT Center for Human Genetics Tuebingen
Classification: Likely benign. Last evaluated: 2022-05-01. Review status: criteria provided, single submitter. Criteria: CeGaT Center For Human Genetics Tuebingen Variant Classification Criteria Version 2. Collection method: clinical testing. Allele origin: germline. Affected: yes. Observed: 1 variant allele.
Comment: SOX3: PM2:Supporting, BP4, BP7

NM_005634.3(SOX3):c.351G>C (p.Ala117=)

Gene: SOX3 (SRY-box transcription factor 3; minus strand). Cytogenetic location: Xq27.1.
Variant type: single nucleotide variant.
Coding change: c.351G>C on transcript NM_005634.3 (MANE Select); coding-DNA position 351, G replaced by C.
Protein change: p.Ala117=; no amino-acid change (alanine 117 retained).
Molecular consequence: synonymous variant.
Genome position (GRCh38, 1-based): chrX:140,504,710, C>G on the plus strand (G>C on the coding strand, the complement: SOX3 is on the minus strand). VCF-style: chrX-140504710-C-G. GRCh37 (hg19) VCF-style: chrX-139586875-C-G.
Identifiers: ClinVar variation 2661542 (VCV002661542.24), dbSNP rs2520868044, ClinGen allele CA519168353.